The following is an entry in ClinVar:

ClinVar aggregate classification (germline): Conflicting classifications of pathogenicity. Review status: criteria provided, conflicting classifications (1 of 4 stars). 4 submissions from 4 submitters: Uncertain significance (1); Benign (1); Likely benign (2). Last evaluated 2025-08-07.

Conditions:
Multiple endocrine neoplasia type 2A. Also called: MULTIPLE ENDOCRINE NEOPLASIA, TYPE IIA; PTC SYNDROME; SIPPLE SYNDROME; MEN 2A; MEN-2A syndrome; Pheochromocytoma and amyloid producing medullary thyroid carcinoma. Identifiers: Orphanet 247698, Orphanet 653, MedGen C0025268, MeSH D018813, MONDO:0008234, OMIM 171400.
Hereditary cancer-predisposing syndrome. Also called: Neoplastic Syndromes, Hereditary; Hereditary Cancer Syndrome; Hereditary neoplastic syndrome; Tumor predisposition. Identifiers: Orphanet 140162, MedGen C0027672, MeSH D009386, MONDO:0015356.
Multiple endocrine neoplasia, type 2 (MEN2). Identifiers: Orphanet 653, MedGen C4048306, MONDO:0019003. Disease mechanism: gain of function.

Allele frequency attached by ClinVar (database versions not stated): gnomAD exomes below 0.00001 and 0.00001; TOPMed below 0.00001; gnomAD 0.00001.
gnomAD v4.1: 18 of 1,597,900 alleles (0.0011%); highest among the groups gnomAD compares: Non-Finnish European, 0.0015%; no homozygotes.

Submissions (4):

Labcorp Genetics (formerly Invitae), Labcorp
Classification: Likely benign for Multiple endocrine neoplasia, type 2. Last evaluated: 2025-08-07. Review status: criteria provided, single submitter. Criteria: Invitae Variant Classification Sherloc (09022015). Collection method: clinical testing. Allele origin: germline.

Myriad Genetics, Inc.
Classification: Benign for Multiple endocrine neoplasia type 2A. Last evaluated: 2025-02-25. Review status: criteria provided, single submitter. Criteria: Myriad Autosomal Dominant, Autosomal Recessive and X-Linked Classification Criteria (2023). Collection method: clinical testing. Allele origin: unknown.
Comment: This variant is considered benign. This variant is a silent/synonymous amino acid change and it is not expected to impact splicing.

All of Us Research Program, National Institutes of Health
Classification: Uncertain significance for Multiple endocrine neoplasia, type 2. Last evaluated: 2023-08-08. Review status: criteria provided, single submitter. Criteria: ACMG Guidelines, 2015. Collection method: clinical testing. Allele origin: germline. Inheritance: Autosomal dominant inheritance. Observed: 2 variant alleles, 2 heterozygotes.
Comment: This variant is located in the RET protein. To our knowledge, functional studies have not been reported for this variant. This variant has not been reported in individuals affected with RET-related disorders in the literature. This variant has been identified in 2/250292 chromosomes in the general population by the Genome Aggregation Database (gnomAD). The available evidence is insufficient to determine the role of this variant in disease conclusively. Therefore, this variant is classified as a Variant of Uncertain Significance.

This study involves interpretation of variants in research participants for the purpose of population health screening. Participant phenotype was not available at the time of variant classification. Additional details can be found in publication PMID: 35346344, PMCID: PMC8962531

Ambry Genetics
Classification: Likely benign for Hereditary cancer-predisposing syndrome. Last evaluated: 2018-05-04. Review status: criteria provided, single submitter. Criteria: Ambry Variant Classification Scheme 2023. Collection method: clinical testing. Allele origin: germline.

NM_020975.6(RET):c.1566C>T (p.Ser522=)

Gene: RET (ret proto-oncogene; plus strand). Cytogenetic location: 10q11.21.
Variant type: single nucleotide variant.
Coding change: c.1566C>T on transcript NM_020975.6 (MANE Select); coding-DNA position 1566, C replaced by T.
Protein change: p.Ser522=; no amino-acid change (serine 522 retained).
Molecular consequence: synonymous variant.
Genome position (GRCh38, 1-based): chr10:43,112,142, C>T. VCF-style: chr10-43112142-C-T. GRCh37 (hg19) VCF-style: chr10-43607590-C-T.
Other names: c.1566C>T, p.Ser522= (NM_020630.7, NM_000323.2, NM_001406743.1 and 6 more transcripts); c.804C>T, p.Ser268= (NM_001355216.2); c.1437C>T, p.Ser479= (NM_001406761.1, NM_001406762.1, NM_001406764.1 and 1 more transcripts); c.1278C>T, p.Ser426= (NM_001406766.1, NM_001406767.1, NM_001406770.1); c.1170C>T, p.Ser390= (NM_001406769.1, NM_001406772.1); c.1128C>T, p.Ser376= (NM_001406771.1, NM_001406773.1); c.1041C>T, p.Ser347= (NM_001406774.1); c.840C>T, p.Ser280= (NM_001406775.1, NM_001406776.1, NM_001406777.1 and 1 more transcripts); and 5 more.
Identifiers: ClinVar variation 477318 (VCV000477318.17), dbSNP rs929663686, ClinGen allele CA206261749.
Genomic context (GRCh38, chr10:43,112,142, plus strand): 5'-TTGTCTGCCACCTGCAGATGTGGCCGAGGAGGCGGGCTGCCCCCTGTCCTGTGCAGTCAG[C>T]AAGAGACGGCTGGAGTGTGAGGAGTGTGGCGGCCTGGGCTCCCCAACAGGCAGGTGTGAG-3'
Protein context (NP_066124.1, residues 512-532): EAGCPLSCAV[Ser522=]KRRLECEECG